The following is an entry in ClinVar:

ClinVar aggregate classification (germline): Uncertain significance (1 of 4 stars; one submission).

Submission:

Labcorp Genetics (formerly Invitae), Labcorp
Classification: Uncertain significance. Last evaluated: 2022-06-27. Review status: criteria provided, single submitter. Criteria: Invitae Variant Classification Sherloc (09022015). Collection method: clinical testing. Allele origin: germline.
Comment: Algorithms developed to predict the effect of missense changes on protein structure and function (SIFT, PolyPhen-2, Align-GVGD) all suggest that this variant is likely to be tolerated. In summary, the available evidence is currently insufficient to determine the role of this variant in disease. Therefore, it has been classified as a Variant of Uncertain Significance. This variant has not been reported in the literature in individuals affected with EYS-related conditions. This variant is not present in population databases (gnomAD no frequency). This sequence change replaces alanine, which is neutral and non-polar, with proline, which is neutral and non-polar, at codon 1532 of the EYS protein (p.Ala1532Pro).

NM_001142800.2(EYS):c.4594G>C (p.Ala1532Pro)

Gene: EYS (EGF-like photoreceptor maintenance factor; minus strand). Cytogenetic location: 6q12.
Variant type: single nucleotide variant.
Coding change: c.4594G>C on transcript NM_001142800.2 (MANE Select); coding-DNA position 4594, G replaced by C.
Protein change: p.Ala1532Pro; replaces alanine 1532 with proline.
Molecular consequence: missense variant.
Genome position (GRCh38, 1-based): chr6:64,591,273, C>G on the plus strand (G>C on the coding strand, the complement: EYS is on the minus strand). VCF-style: chr6-64591273-C-G. GRCh37 (hg19) VCF-style: chr6-65301166-C-G.
Other names: c.4594G>C, p.Ala1532Pro (NM_001292009.2); short protein forms A1532P.
Identifiers: ClinVar variation 1503137 (VCV001503137.8), dbSNP rs2149831967, ClinGen allele CA364782976.